The following is an entry in ClinVar:

NM_000059.4(BRCA2):c.8482dup (p.Ile2828fs)

Gene: BRCA2 (BRCA2 DNA repair associated; plus strand). Cytogenetic location: 13q13.1.
Variant type: Duplication.
Coding change: c.8482dup on transcript NM_000059.4 (MANE Select); coding-DNA position 8482, one base duplicated (A; older notation c.8482dupA).
Protein change: p.Ile2828fs; shifts the reading frame from isoleucine 2828.
Molecular consequence: frameshift variant. On other transcripts: non-coding transcript variant (1).
Genome position (GRCh38, 1-based): chr13:32,370,552, A duplicated. VCF-style (leftmost placement, unchanged base first): chr13-32370551-T-TA. GRCh37 (hg19) VCF-style: chr13-32944688-T-TA.
Other names: c.8386dup, p.Ile2796fs (NM_001406719.1); c.8482dup, p.Ile2828fs (NM_001406720.1); c.3550dup, p.Ile1184fs (NM_001406721.1); c.2065dup, p.Ile689fs (NM_001406722.1); short protein forms I1184fs, I2796fs, I689fs, I2828fs.
Identifiers: ClinVar variation 2756065 (VCV002756065.3), dbSNP rs2473426822, ClinGen allele CA2697551747.

ClinVar aggregate classification (germline): Pathogenic (1 of 4 stars; one submission).

Conditions:
Hereditary breast ovarian cancer syndrome. Also called: Hereditary breast and ovarian cancer; Hereditary breast and ovarian cancer syndrome; Breast and ovarian cancer; BRCA1- and BRCA2-Associated Hereditary Breast and Ovarian Cancer; Hereditary breast and ovarian cancer syndrome (HBOC); Hereditary breast and/or ovarian cancer syndrome. Identifiers: Orphanet 145, MedGen C0677776, MeSH D061325, MONDO:0003582. Disease mechanism: loss of function.

Submission:

Labcorp Genetics (formerly Invitae), Labcorp
Classification: Pathogenic for Hereditary breast ovarian cancer syndrome. Last evaluated: 2023-08-28. Review status: criteria provided, single submitter. Criteria: Invitae Variant Classification Sherloc (09022015). Collection method: clinical testing. Allele origin: germline.
Comment: This sequence change creates a premature translational stop signal (p.Ile2828Asnfs*17) in the BRCA2 gene. It is expected to result in an absent or disrupted protein product. Loss-of-function variants in BRCA2 are known to be pathogenic (PMID: 20104584). This variant is not present in population databases (gnomAD no frequency). This variant has not been reported in the literature in individuals affected with BRCA2-related conditions. For these reasons, this variant has been classified as Pathogenic.

Literature cited by the submitters: PubMed 20104584.